The following is an entry in ClinVar:

ClinVar aggregate classification (germline): Likely benign. Review status: criteria provided, multiple submitters, no conflicts (2 of 4 stars). 2 submissions from 2 submitters: Likely benign (2). Last evaluated 2024-01-17.

Conditions:
Creatine transporter deficiency (CCDS1). Also called: Creatine Transporter (CRTR) Deficiency; Mental retardation , X-linked with seizures, short stature and midface hypoplasia; Mental retardation , X-linked, with creatine transport deficiency; X-linked creatine transporter deficiency; X-linked creatine deficiency syndrome; SLC6A8-Related Creatine Transporter Deficiency. Identifiers: Orphanet 52503, MedGen C1845862, MONDO:0010305, OMIM 300352.

gnomAD v4.1: 6 of 1,100,970 alleles (0.00054%); highest among the groups gnomAD compares: South Asian, 0.0097%; no homozygotes.

Submissions (2):

Labcorp Genetics (formerly Invitae), Labcorp
Classification: Likely benign for Creatine transporter deficiency. Last evaluated: 2024-01-17. Review status: criteria provided, single submitter. Criteria: Invitae Variant Classification Sherloc (09022015). Collection method: clinical testing. Allele origin: germline.

GeneDx
Classification: Likely benign. Last evaluated: 2017-04-10. Review status: criteria provided, single submitter. Criteria: GeneDx Variant Classification (06012015). Collection method: clinical testing. Allele origin: germline. Affected: yes.
Comment: This variant is considered likely benign or benign based on one or more of the following criteria: it is a conservative change, it occurs at a poorly conserved position in the protein, it is predicted to be benign by multiple in silico algorithms, and/or has population frequency not consistent with disease.

NM_005629.4(SLC6A8):c.1767+11C>A

Gene: SLC6A8 (solute carrier family 6 member 8; plus strand). Cytogenetic location: Xq28.
Variant type: single nucleotide variant.
Coding change: c.1767+11C>A on transcript NM_005629.4 (MANE Select); 11 bases into the intron after coding-DNA position 1767, C replaced by A.
Molecular consequence: intron variant.
Genome position (GRCh38, 1-based): chrX:153,694,900, C>A. VCF-style: chrX-153694900-C-A. GRCh37 (hg19) VCF-style: chrX-152960355-C-A.
Other names: c.1737+11C>A (NM_001142805.2); c.1422+11C>A (NM_001142806.1).
Identifiers: ClinVar variation 508687 (VCV000508687.8), dbSNP rs782709232, ClinGen allele CA645287954.
Genomic context (GRCh38, chrX:153,694,900, plus strand): 5'-CGCTGCACCTCCTGGGCTGCCTCCTCAGGGCCAAGGGCACCATGGCTGAGGTAAGGCTCC[C>A]GCCCGGCCCGCCCTCCCCTCCCCTGCTGTGAACATTCAACCCAGCCTGCTTCCTAGCCAG-3'